The following is an entry in ClinVar:

NM_004586.3(RPS6KA3):c.1566_1567insTG (p.Ile523Ter)

Gene: RPS6KA3 (ribosomal protein S6 kinase A3; minus strand). Cytogenetic location: Xp22.12.
Variant type: Insertion.
Coding change: c.1566_1567insTG on transcript NM_004586.3 (MANE Select); coding-DNA positions 1566 to 1567, TG inserted.
Protein change: p.Ile523Ter; replaces isoleucine 523 with a stop codon.
Molecular consequence: nonsense.
Genome position: GRCh38 VCF-style: chrX-20167624-T-TCA. GRCh37 (hg19) VCF-style: chrX-20185742-T-TCA.
Other names: short protein forms I523*.
Identifiers: ClinVar variation 2944446 (VCV002944446.3), dbSNP rs2519639907, ClinGen allele CA2740092054.

ClinVar aggregate classification (germline): Pathogenic (1 of 4 stars; one submission).

Conditions:
Intellectual developmental disorder, X-linked 19. Also called: Intellectual disability, X-linked 19. Identifiers: Orphanet 777, MedGen C0796225, MONDO:0010447, OMIM 300844.
Coffin-Lowry syndrome (CLS). Also called: COFFIN-LOWRY SYNDROME, MILD; Mental retardation with osteocartilaginous abnormalities. Identifiers: Orphanet 192, MedGen C0265252, MONDO:0010561, OMIM 303600.

Submission:

Labcorp Genetics (formerly Invitae), Labcorp
Classification: Pathogenic for Coffin-Lowry syndrome; Intellectual developmental disorder, X-linked 19. Last evaluated: 2023-02-17. Review status: criteria provided, single submitter. Criteria: Invitae Variant Classification Sherloc (09022015). Collection method: clinical testing. Allele origin: germline.
Comment: For these reasons, this variant has been classified as Pathogenic. This variant has not been reported in the literature in individuals affected with RPS6KA3-related conditions. This variant is not present in population databases (gnomAD no frequency). This sequence change creates a premature translational stop signal (p.Ile523*) in the RPS6KA3 gene. It is expected to result in an absent or disrupted protein product. Loss-of-function variants in RPS6KA3 are known to be pathogenic (PMID: 9837815, 19888300).

Literature cited by the submitters: PubMed 9837815; PubMed 19888300.